The following is an entry in ClinVar:

NM_006502.3(POLH):c.660+4A>T

Gene: POLH (DNA polymerase eta; plus strand). Cytogenetic location: 6p21.1.
Variant type: single nucleotide variant.
Coding change: c.660+4A>T on transcript NM_006502.3 (MANE Select); 4 bases into the intron after coding-DNA position 660, A replaced by T.
Molecular consequence: intron variant.
Genome position (GRCh38, 1-based): chr6:43,597,869, A>T. VCF-style: chr6-43597869-A-T. GRCh37 (hg19) VCF-style: chr6-43565606-A-T.
Other names: c.660+4A>T (NM_001291970.2); c.288+4A>T (NM_001291969.2).
Identifiers: ClinVar variation 4689144 (VCV004689144.1).

ClinVar aggregate classification (germline): Likely pathogenic (1 of 4 stars; one submission).

Conditions:
Xeroderma pigmentosum (XP). Identifiers: Orphanet 910, MedGen C0043346, MONDO:0019600.

gnomAD v4.1: 1 of 1,606,990 alleles (0.000062%); highest among the groups gnomAD compares: Non-Finnish European, 0.000085%; no homozygotes.

Submission:

Women's Health and Genetics/Laboratory Corporation of America, LabCorp
Classification: Likely pathogenic for Xeroderma pigmentosum. Last evaluated: 2026-01-28. Review status: criteria provided, single submitter. Criteria: LabCorp Variant Classification Summary - May 2015. Collection method: clinical testing. Allele origin: germline.
Comment: Variant summary: POLH c.660+4A>T alters a nucleotide located close to a canonical splice site and therefore could affect mRNA splicing, leading to a significantly altered protein sequence. Several computational tools predict a significant impact on normal splicing: Three predict the variant abolishes a 5' splicing donor site. Two predict the variant weakens a 5' donor site. At least one publication reports experimental evidence that this variant affects mRNA splicing and results in exon skipping and frameshift leading to a premature termination of translation (De Palma_2017). The variant was absent in 251430 control chromosomes. c.660+4A>T has been observed in an individual affected with Xeroderma Pigmentosum (De Palma_2017). The following publication have been ascertained in the context of this evaluation (PMID: 28688171). No submitters have cited clinical-significance assessments for this variant to ClinVar. Based on the evidence outlined above, the variant was classified as likely pathogenic.

Literature cited by the submitters: PubMed 28688171.